The following is an entry in ClinVar:

NM_001184.4(ATR):c.5624G>A (p.Ser1875Asn)

Gene: ATR (ATR checkpoint kinase; minus strand). Cytogenetic location: 3q23.
Variant type: single nucleotide variant.
Coding change: c.5624G>A on transcript NM_001184.4 (MANE Select); coding-DNA position 5624, G replaced by A.
Protein change: p.Ser1875Asn; replaces serine 1875 with asparagine.
Molecular consequence: missense variant.
Genome position (GRCh38, 1-based): chr3:142,497,127, C>T on the plus strand (G>A on the coding strand, the complement: ATR is on the minus strand). VCF-style: chr3-142497127-C-T. GRCh37 (hg19) VCF-style: chr3-142215969-C-T.
Other names: c.5432G>A, p.Ser1811Asn (NM_001354579.2); short protein forms S1811N, S1875N.
Identifiers: ClinVar variation 2713795 (VCV002713795.3), dbSNP rs943085964, ClinGen allele CA354814828.

ClinVar aggregate classification (germline): Uncertain significance (1 of 4 stars; one submission).

Submission:

Labcorp Genetics (formerly Invitae), Labcorp
Classification: Uncertain significance. Last evaluated: 2022-12-23. Review status: criteria provided, single submitter. Criteria: Invitae Variant Classification Sherloc (09022015). Collection method: clinical testing. Allele origin: germline.
Comment: In summary, the available evidence is currently insufficient to determine the role of this variant in disease. Therefore, it has been classified as a Variant of Uncertain Significance. Algorithms developed to predict the effect of missense changes on protein structure and function output the following: SIFT: "Tolerated"; PolyPhen-2: "Benign"; Align-GVGD: "Class C0". The asparagine amino acid residue is found in multiple mammalian species, which suggests that this missense change does not adversely affect protein function. This variant has not been reported in the literature in individuals affected with ATR-related conditions. This variant is not present in population databases (gnomAD no frequency). This sequence change replaces serine, which is neutral and polar, with asparagine, which is neutral and polar, at codon 1875 of the ATR protein (p.Ser1875Asn).